The following is an entry in ClinVar:

ClinVar aggregate classification (germline): Uncertain significance (1 of 4 stars; one submission).

Submission:

GeneDx
Classification: Uncertain significance. Last evaluated: 2026-04-15. Review status: criteria provided, single submitter. Criteria: GeneDx Variant Classification Process June 2021. Collection method: clinical testing. Allele origin: germline.
Comment: Not observed at significant frequency in large population cohorts (gnomAD); In silico analysis suggests that this missense variant does not alter protein structure/function; Has not been previously published as pathogenic or benign to our knowledge

NM_018489.3(ASH1L):c.7571A>C (p.Lys2524Thr)

Gene: ASH1L (ASH1 like histone lysine methyltransferase; minus strand). Cytogenetic location: 1q22.
Variant type: single nucleotide variant.
Coding change: c.7571A>C on transcript NM_018489.3 (MANE Select); coding-DNA position 7571, A replaced by C.
Protein change: p.Lys2524Thr; replaces lysine 2524 with threonine.
Molecular consequence: missense variant.
Genome position (GRCh38, 1-based): chr1:155,347,888, T>G on the plus strand (A>C on the coding strand, the complement: ASH1L is on the minus strand). VCF-style: chr1-155347888-T-G. GRCh37 (hg19) VCF-style: chr1-155317679-T-G.
Other names: c.7586A>C, p.Lys2529Thr (NM_001366177.2); short protein forms K2524T, K2529T.
Identifiers: ClinVar variation 5037002 (VCV005037002.1).